The following is an entry in ClinVar:

ClinVar aggregate classification (germline): Conflicting classifications of pathogenicity. Review status: criteria provided, conflicting classifications (1 of 4 stars). 3 submissions from 3 submitters: Uncertain significance (2); Likely benign (1). Last evaluated 2024-11-10.

Conditions:
Charcot-Marie-Tooth disease type 2. Also called: Charcot-Marie-Tooth type 2. Identifiers: Orphanet 64746, MedGen C0270914, MONDO:0018993.
Charcot-Marie-Tooth disease type 2A1. Also called: CHARCOT-MARIE-TOOTH DISEASE, AXONAL, TYPE 2A1; CHARCOT-MARIE-TOOTH DISEASE, AXONAL, AUTOSOMAL DOMINANT, TYPE 2A1; CHARCOT-MARIE-TOOTH DISEASE, NEURONAL, TYPE 2A1; CHARCOT-MARIE-TOOTH NEUROPATHY, TYPE 2A1; HEREDITARY MOTOR AND SENSORY NEUROPATHY IIA1. Identifiers: Orphanet 99946, MedGen C1861678, MONDO:0007308, OMIM 118210.
Neuroblastoma, susceptibility to, 1. Identifiers: MedGen C2749485, MONDO:0009741, OMIM 256700.

Allele frequency attached by ClinVar (database versions not stated): TOPMed 0.00002; ExAC 0.00002; gnomAD exomes 0.00001.
gnomAD v4.1: 13 of 1,613,972 alleles (0.00081%); highest among the groups gnomAD compares: East Asian, 0.027%; no homozygotes.

Submissions (3):

Labcorp Genetics (formerly Invitae), Labcorp
Classification: Uncertain significance for Charcot-Marie-Tooth disease type 2. Last evaluated: 2024-11-10. Review status: criteria provided, single submitter. Criteria: Invitae Variant Classification Sherloc (09022015). Collection method: clinical testing. Allele origin: germline.
Comment: This sequence change replaces proline, which is neutral and non-polar, with threonine, which is neutral and polar, at codon 1387 of the KIF1B protein (p.Pro1387Thr). This variant is present in population databases (rs757899517, gnomAD 0.02%). This variant has not been reported in the literature in individuals affected with KIF1B-related conditions. ClinVar contains an entry for this variant (Variation ID: 946995). An algorithm developed to predict the effect of missense changes on protein structure and function (PolyPhen-2) suggests that this variant is likely to be disruptive. In summary, the available evidence is currently insufficient to determine the role of this variant in disease. Therefore, it has been classified as a Variant of Uncertain Significance.

Fulgent Genetics
Classification: Uncertain significance for Charcot-Marie-Tooth disease type 2A1; Neuroblastoma, susceptibility to, 1. Last evaluated: 2024-05-20. Review status: criteria provided, single submitter. Criteria: ACMG Guidelines, 2015. Collection method: clinical testing. Allele origin: germline.

Ambry Genetics
Classification: Likely benign. Last evaluated: 2023-05-24. Review status: criteria provided, single submitter. Criteria: Ambry Variant Classification Scheme 2023. Collection method: clinical testing. Allele origin: germline.

NM_001365951.3(KIF1B):c.4297C>A (p.Pro1433Thr)

Gene: KIF1B (kinesin family member 1B; plus strand). Cytogenetic location: 1p36.22.
Variant type: single nucleotide variant.
Coding change: c.4297C>A on transcript NM_001365951.3 (MANE Select); coding-DNA position 4297, C replaced by A.
Protein change: p.Pro1433Thr; replaces proline 1433 with threonine.
Molecular consequence: missense variant.
Genome position (GRCh38, 1-based): chr1:10,361,818, C>A. VCF-style: chr1-10361818-C-A. GRCh37 (hg19) VCF-style: chr1-10421876-C-A.
Other names: c.4297C>A, p.Pro1433Thr (NM_001365952.1); c.4159C>A, p.Pro1387Thr (NM_015074.3); short protein forms P1433T, P1387T.
Identifiers: ClinVar variation 946995 (VCV000946995.13), dbSNP rs757899517, ClinGen allele CA582028.